The following is an entry in ClinVar:

ClinVar aggregate classification (germline): Uncertain significance (1 of 4 stars; one submission).

Conditions:
Hereditary cancer-predisposing syndrome. Also called: Neoplastic Syndromes, Hereditary; Tumor predisposition; Hereditary neoplastic syndrome; Hereditary Cancer Syndrome. Identifiers: Orphanet 140162, MedGen C0027672, MeSH D009386, MONDO:0015356.

gnomAD v4.1: 1 of 1,610,754 alleles (0.000062%); highest among the groups gnomAD compares: South Asian, 0.0011%; no homozygotes.

Submission:

Ambry Genetics
Classification: Uncertain significance for Hereditary cancer-predisposing syndrome. Last evaluated: 2026-07-07. Review status: criteria provided, single submitter. Criteria: Ambry Variant Classification Scheme 2023. Collection method: clinical testing. Allele origin: germline.
Comment: The p.W50R variant (also known as c.148T>A), located in coding exon 3 of the RAD51D gene, results from a T to A substitution at nucleotide position 148. The tryptophan at codon 50 is replaced by arginine, an amino acid with dissimilar properties. This amino acid position is conserved. In addition, this alteration is predicted to be tolerated by in silico analysis. Based on the available evidence, the clinical significance of this variant remains unclear.

NM_002878.4(RAD51D):c.263+1467T>A

Genes: RAD51D (RAD51 paralog D; minus strand), RAD51L3-RFFL (RAD51L3-RFFL readthrough; minus strand). Cytogenetic location: 17q12.
Variant type: single nucleotide variant.
Coding change: c.263+1467T>A on transcript NM_002878.4 (MANE Select); 1467 bases into the intron after coding-DNA position 263, T replaced by A.
Molecular consequence: intron variant. On other transcripts: missense variant (1).
Genome position (GRCh38, 1-based): chr17:35,117,034, A>T on the plus strand (T>A on the coding strand, the complement: RAD51D is on the minus strand). VCF-style: chr17-35117034-A-T. GRCh37 (hg19) VCF-style: chr17-33444053-A-T.
Other names: c.148T>A, p.Trp50Arg (NM_001142571.2); c.144+2077T>A (NM_133629.3); short protein forms W50R.
Identifiers: ClinVar variation 5027838 (VCV005027838.1).